The following is an entry in ClinVar:

NM_201253.3(CRB1):c.1172-1G>T

Gene: CRB1 (crumbs cell polarity complex component 1; plus strand). Cytogenetic location: 1q31.3.
Variant type: single nucleotide variant.
Coding change: c.1172-1G>T on transcript NM_201253.3 (MANE Select); the canonical splice acceptor site of the intron before coding-DNA position 1172, G replaced by T.
Molecular consequence: splice acceptor variant.
Genome position (GRCh38, 1-based): chr1:197,420,999, G>T. VCF-style: chr1-197420999-G-T. GRCh37 (hg19) VCF-style: chr1-197390129-G-T.
Other names: c.965-1G>T (NM_001257965.2); c.1172-1G>T (NM_001257966.2); c.836-1G>T (NM_001193640.2).
Identifiers: ClinVar variation 1067672 (VCV001067672.7), dbSNP rs2125468776, ClinGen allele CA344027945.
Genomic context (GRCh38, chr1:197,420,999, plus strand): 5'-GTGAAACTTCTATTTTTGATGTGAATATATATAATTTTAGCCCTTTTTTATTATTTAACA[G>T]GAATCCACTGCGAAGAAGACGTCAATGAATGTTCTTCAAACCCTTGCCAAAATGGTGGTA-3'

ClinVar aggregate classification (germline): Likely pathogenic (1 of 4 stars; one submission).

Conditions:
Retinitis pigmentosa 12 (RP12). Also called: RP WITH OR WITHOUT PPRPE; RP WITH OR WITHOUT PRESERVED PARAARTERIOLE RETINAL PIGMENT EPITHELIUM; RETINITIS PIGMENTOSA WITH OR WITHOUT PARAARTERIOLAR PRESERVATION OF RETINAL PIGMENT EPITHELIUM. Identifiers: Orphanet 791, MedGen C1838647, MONDO:0010818, OMIM 600105.
Leber congenital amaurosis 8 (LCA8). Identifiers: Orphanet 65, MedGen C3151202, MONDO:0013453, OMIM 613835.

Submission:

Labcorp Genetics (formerly Invitae), Labcorp
Classification: Likely pathogenic for Leber congenital amaurosis 8; Retinitis pigmentosa 12. Last evaluated: 2020-08-18. Review status: criteria provided, single submitter. Criteria: Invitae Variant Classification Sherloc (09022015). Collection method: clinical testing. Allele origin: germline.
Comment: Algorithms developed to predict the effect of sequence changes on RNA splicing suggest that this variant may disrupt the consensus splice site, but this prediction has not been confirmed by published transcriptional studies. This variant has not been reported in the literature in individuals with CRB1-related conditions. This variant is not present in population databases (ExAC no frequency). This sequence change affects an acceptor splice site in intron 5 of the CRB1 gene. It is expected to disrupt RNA splicing and likely results in an absent or disrupted protein product. In summary, the currently available evidence indicates that the variant is pathogenic, but additional data are needed to prove that conclusively. Therefore, this variant has been classified as Likely Pathogenic. Donor and acceptor splice site variants typically lead to a loss of protein function (PMID: 16199547), and loss-of-function variants in CRB1 are known to be pathogenic (PMID: 10508521, 22065545, 23379534, 25412400, 26957898, 28041643, 29391521).

Literature cited by the submitters: PubMed 16199547; PubMed 10508521; PubMed 22065545; PubMed 23379534; PubMed 25412400; PubMed 26957898; PubMed 28041643; PubMed 29391521.